The following is an entry in ClinVar:

ClinVar aggregate classification (germline): Uncertain significance (1 of 4 stars; one submission).

Submission:

Ambry Genetics
Classification: Uncertain significance. Last evaluated: 2025-09-16. Review status: criteria provided, single submitter. Criteria: Ambry Variant Classification Scheme 2023. Collection method: clinical testing. Allele origin: germline.
Comment: The p.Q1045L variant (also known as c.3134A>T), located in coding exon 1 of the MLH3 gene, results from an A to T substitution at nucleotide position 3134. The glutamine at codon 1045 is replaced by leucine, an amino acid with dissimilar properties. This amino acid position is not well conserved in available vertebrate species. In addition, this alteration is predicted to be tolerated by in silico analysis. The evidence for this gene-disease relationship is limited; therefore, the clinical significance of this alteration is unclear.

NM_001040108.2(MLH3):c.3134A>T (p.Gln1045Leu)

Gene: MLH3 (mutL homolog 3; minus strand). Cytogenetic location: 14q24.3.
Variant type: single nucleotide variant.
Coding change: c.3134A>T on transcript NM_001040108.2 (MANE Select); coding-DNA position 3134, A replaced by T.
Protein change: p.Gln1045Leu; replaces glutamine 1045 with leucine.
Molecular consequence: missense variant.
Genome position (GRCh38, 1-based): chr14:75,046,522, T>A on the plus strand (A>T on the coding strand, the complement: MLH3 is on the minus strand). VCF-style: chr14-75046522-T-A. GRCh37 (hg19) VCF-style: chr14-75513225-T-A.
Other names: c.3134A>T, p.Gln1045Leu (NM_014381.3); short protein forms Q1045L.
Identifiers: ClinVar variation 4552053 (VCV004552053.1).